The following is an entry in ClinVar:

ClinVar aggregate classification (germline): Pathogenic/Likely pathogenic. Review status: criteria provided, multiple submitters, no conflicts (2 of 4 stars). 4 submissions from 4 submitters: Pathogenic (2); Likely pathogenic (1). 1 of the submissions does not count toward it. Last evaluated 2026-02-23.

Conditions:
Hereditary cancer-predisposing syndrome. Also called: Hereditary Cancer Syndrome; Hereditary neoplastic syndrome; Neoplastic Syndromes, Hereditary; Tumor predisposition. Identifiers: Orphanet 140162, MedGen C0027672, MeSH D009386, MONDO:0015356.
Familial cancer of breast. Also called: hereditary breast carcinoma; BREAST CANCER, FAMILIAL; Hereditary breast cancer. Identifiers: Orphanet 227535, MedGen C0346153, MONDO:0016419, OMIM 114480. Disease mechanism: loss of function.
Breast-ovarian cancer, familial, susceptibility to, 1 (BROVCA1). Also called: BRCA1 Hereditary Breast and Ovarian Cancer; OVARIAN CANCER, SUSCEPTIBILITY TO. Identifiers: Orphanet 145, MedGen C2676676, MONDO:0011450, OMIM 604370. Disease mechanism: loss of function.
Hereditary breast ovarian cancer syndrome. Also called: BRCA1- and BRCA2-Associated Hereditary Breast and Ovarian Cancer; Hereditary breast and ovarian cancer syndrome; Hereditary breast and ovarian cancer syndrome (HBOC); Breast and ovarian cancer; Hereditary breast and/or ovarian cancer syndrome; Hereditary breast and ovarian cancer. Identifiers: Orphanet 145, MedGen C0677776, MeSH D061325, MONDO:0003582. Disease mechanism: loss of function.

Submissions (5):

Ambry Genetics
Classification: Likely pathogenic for Hereditary cancer-predisposing syndrome. Last evaluated: 2026-02-23. Review status: criteria provided, single submitter. Criteria: Ambry Variant Classification Scheme 2023. Collection method: clinical testing. Allele origin: germline.
Comment: The p.H1686Q variant (also known as c.5058T>A), located in coding exon 15 of the BRCA1 gene, results from a T to A substitution at nucleotide position 5058. The histidine at codon 1686 is replaced by glutamine, an amino acid with highly similar properties. One functional study found that this nucleotide substitution is non-functional in a high throughput genome editing haploid cell survival assay (Findlay GM et al. Nature, 2018 Oct;562:217-222). This amino acid position is highly conserved in available vertebrate species. In addition, this alteration is predicted to be deleterious by in silico analysis. This variant is considered to be rare based on population cohorts in the Genome Aggregation Database (gnomAD). Based on the majority of available evidence to date, this variant is likely to be pathogenic.

Variantyx, Inc.
Classification: Pathogenic for Breast-ovarian cancer, familial, susceptibility to, 1. Last evaluated: 2025-05-22. Review status: criteria provided, single submitter. Criteria: Variantyx Assertion Criteria 2022. Collection method: clinical testing. Allele origin: germline. Inheritance: Autosomal dominant inheritance.
Comment: This is a nonsynonymous variant in the BRCA1 gene (OMIM: 113705). Pathogenic variants in this gene have been associated with autosomal dominant susceptibility to familial breast-ovarian cancer 1. This variant has been identified in multiple affected individuals (PMID: 18757339, 26306726, 30788324). Functional studies have shown that this variant alters BRCA1 protein function (PMID: 30209399, 32546644) (PS3),and multiple computational algorithms predict a deleterious effect for this variant (REVEL score: 0.864) (PP3). Other variants that affect the same codon have been classfied as pathogenic (PMID: 25452441, 28993434). This variant is absent from control populations (PM2). Based on the current evidence, this variant is classified as pathogenic for autosomal dominant susceptibility to familial breast-ovarian cancer 1.

Labcorp Genetics (formerly Invitae), Labcorp
Classification: Pathogenic for Hereditary breast ovarian cancer syndrome. Last evaluated: 2022-05-03. Review status: criteria provided, single submitter. Criteria: Invitae Variant Classification Sherloc (09022015). Collection method: clinical testing. Allele origin: germline.
Comment: ClinVar contains an entry for this variant (Variation ID: 55366). For these reasons, this variant has been classified as Pathogenic. This variant disrupts the p.His1686 amino acid residue in BRCA1. Other variant(s) that disrupt this residue have been determined to be pathogenic (PMID: 25452441, 28993434; Invitae). This suggests that this residue is clinically significant, and that variants that disrupt this residue are likely to be disease-causing. Experimental studies have shown that this missense change affects BRCA1 function (PMID: 23867111, 30209399). Advanced modeling of protein sequence and biophysical properties (such as structural, functional, and spatial information, amino acid conservation, physicochemical variation, residue mobility, and thermodynamic stability) performed at Invitae indicates that this missense variant is expected to disrupt BRCA1 protein function. This missense change has been observed in individual(s) with breast and/or ovarian cancer (PMID: 18757339, 26306726, 30788324). It has also been observed to segregate with disease in related individuals. This variant is not present in population databases (gnomAD no frequency). This sequence change replaces histidine, which is basic and polar, with glutamine, which is neutral and polar, at codon 1686 of the BRCA1 protein (p.His1686Gln).

Brotman Baty Institute, University of Washington
No classification provided (evidence only). Condition: Breast-ovarian cancer, familial 1. Review status: no classification provided. Collection method: in vitro. Allele origin: not applicable. Functional consequence: functionally_abnormal. Not counted in ClinVar's aggregate classification.
ClinVar note: "not provided" was previously submitted as the classification for the variant. However, the classification appeared to be based only on an observation of functional data so it was converted to no classification on 2025-07-30.

ClinVar Staff, National Center for Biotechnology Information (NCBI)
No classification provided. Condition: Familial cancer of breast. Review status: no classification provided. Collection method: literature only. Allele origin: germline. Affected: yes. Not counted in ClinVar's aggregate classification.

Literature cited by the submitters: PubMed 30209399 (cited by 3 submitters); PubMed 32546644 (cited by Variantyx, Inc.); PubMed 18757339 (cited by 3 submitters); PubMed 26306726 (cited by Variantyx, Inc. and Labcorp Genetics (formerly Invitae), Labcorp); PubMed 30788324 (cited by Variantyx, Inc. and Labcorp Genetics (formerly Invitae), Labcorp); PubMed 25452441 (cited by Variantyx, Inc. and Labcorp Genetics (formerly Invitae), Labcorp); PubMed 28993434 (cited by Variantyx, Inc. and Labcorp Genetics (formerly Invitae), Labcorp); PubMed 23867111 (cited by Labcorp Genetics (formerly Invitae), Labcorp).

NM_007294.4(BRCA1):c.5058T>A (p.His1686Gln)

Gene: BRCA1 (BRCA1 DNA repair associated; minus strand). Cytogenetic location: 17q21.31.
Variant type: single nucleotide variant.
Coding change: c.5058T>A on transcript NM_007294.4 (MANE Select); coding-DNA position 5058, T replaced by A.
Protein change: p.His1686Gln; replaces histidine 1686 with glutamine.
Molecular consequence: missense variant. On other transcripts: non-coding transcript variant (1).
Genome position (GRCh38, 1-based): chr17:43,067,624, A>T on the plus strand (T>A on the coding strand, the complement: BRCA1 is on the minus strand). VCF-style: chr17-43067624-A-T. GRCh37 (hg19) VCF-style: chr17-41219641-A-T.
Other names: c.1749T>A, p.His583Gln (NM_001407974.1, NM_001407975.1, NM_001407976.1 and 3 more transcripts); c.1746T>A, p.His582Gln (NM_001407979.1, NM_001407980.1, NM_001407981.1 and 13 more transcripts); c.1743T>A, p.His581Gln (NM_001408392.1, NM_001408396.1, NM_001408397.1 and 8 more transcripts); c.1668T>A, p.His556Gln (NM_001408415.1, NM_001408416.1, NM_001408412.1 and 2 more transcripts); c.1632T>A, p.His544Gln (NM_001408418.1, NM_001408419.1, NM_001408420.1); c.1629T>A, p.His543Gln (NM_001408421.1, NM_001408422.1, NM_001408423.1 and 1 more transcripts); c.1626T>A, p.His542Gln (NM_001408425.1, NM_001408426.1, NM_001408427.1 and 4 more transcripts); c.1623T>A, p.His541Gln (NM_001408435.1, NM_001408436.1, NM_001408437.1 and 10 more transcripts); and 70 more; short protein forms H1686Q, H1639Q, H582Q, H1707Q, H511Q, H512Q, H515Q, H534Q.
Identifiers: ClinVar variation 55366 (VCV000055366.11), dbSNP rs397509218, ClinGen allele CA003178.
Genomic context (GRCh38, chr17:43,067,624, plus strand): 5'-TTATGCAGCAGATGCAAGGTATTCTGTAAAGGTTCTTGGTATACCTGTTTTCATAACAAC[A>T]TGAGTAGTCTCTTCAGTAATTAGATTAGTTAAAGTGATGTGGTGTTTTCTGGCAAACTTG-3'
Protein context (NP_009225.1, residues 1676-1696): LTNLITEETT[His1686Gln]VVMKTDAEFV